The following is an entry in ClinVar:

ClinVar aggregate classification (germline): Uncertain significance (1 of 4 stars; one submission).

Submission:

Dasa
Classification: Uncertain significance. Last evaluated: 2024-06-07. Review status: criteria provided, single submitter. Criteria: DASA Assertion Criteria. Collection method: clinical testing. Allele origin: germline.
Comment: NM_001293231.2(MYCN):c.154G>A (p.Gly52Arg) is a missense variant that results in the substitution of glycine with arginine. This variant is rare in population databases. The currently available literature and clinical evidence are not sufficient to establish a definitive association between this variant and the reported condition. Therefore, this variant is classified as a variant of uncertain significance.

NM_005378.6(MYCN):c.-121G>A

Genes: MYCN (MYCN proto-oncogene, bHLH transcription factor; plus strand), MYCNOS (MYCN opposite strand; minus strand). Cytogenetic location: 2p24.3.
Variant type: single nucleotide variant.
Coding change: c.-121G>A on transcript NM_005378.6 (MANE Select); 121 bases upstream of the start codon, G replaced by A.
Molecular consequence: 5 prime UTR variant. On other transcripts: missense variant (2).
Genome position (GRCh38, 1-based): chr2:15,940,740, G>A. VCF-style: chr2-15940740-G-A. GRCh37 (hg19) VCF-style: chr2-16080862-G-A.
Other names: c.-431G>A (NM_001293228.2); c.154G>A, p.Gly52Arg (NM_001293231.2, NM_001293233.2); short protein forms G52R.
Identifiers: ClinVar variation 4885262 (VCV004885262.2).